The following is an entry in ClinVar:

ClinVar aggregate classification (germline): Likely benign. Review status: criteria provided, multiple submitters, no conflicts (2 of 4 stars). 3 submissions from 3 submitters: Likely benign (3). Last evaluated 2026-07-01.

Conditions:
MOGS-congenital disorder of glycosylation. Also called: CDG IIb; GLUCOSIDASE I DEFICIENCY; CDG 2B; MOGS-CDG. Identifiers: Orphanet 79330, MedGen C1853736, MONDO:0011629, OMIM 606056.

Allele frequency attached by ClinVar (database versions not stated): gnomAD exomes 0.00007 and 0.00013; ExAC 0.00008; gnomAD 0.00008; TOPMed 0.00011.

Submissions (3):

CeGaT Center for Human Genetics Tuebingen
Classification: Likely benign. Last evaluated: 2026-07-01. Review status: criteria provided, single submitter. Criteria: CeGaT Center For Human Genetics Tuebingen Variant Classification Criteria Version 2. Collection method: clinical testing. Allele origin: germline. Affected: yes. Observed: 3 variant alleles.
Comment: MOGS: BP4, BP7

Labcorp Genetics (formerly Invitae), Labcorp
Classification: Likely benign for MOGS-congenital disorder of glycosylation. Last evaluated: 2025-09-09. Review status: criteria provided, single submitter. Criteria: Invitae Variant Classification Sherloc (09022015). Collection method: clinical testing. Allele origin: germline.

Blueprint Genetics
Classification: Likely benign. Last evaluated: 2024-11-04. Review status: criteria provided, single submitter. Criteria: ACMG Guidelines, 2015. Collection method: clinical testing. Allele origin: germline.

NM_006302.3(MOGS):c.375C>G (p.Gly125=)

Gene: MOGS (mannosyl-oligosaccharide glucosidase; minus strand). Cytogenetic location: 2p13.1.
Variant type: single nucleotide variant.
Coding change: c.375C>G on transcript NM_006302.3 (MANE Select); coding-DNA position 375, C replaced by G.
Protein change: p.Gly125=; no amino-acid change (glycine 125 retained).
Molecular consequence: synonymous variant.
Genome position (GRCh38, 1-based): chr2:74,464,700, G>C on the plus strand (C>G on the coding strand, the complement: MOGS is on the minus strand). VCF-style: chr2-74464700-G-C. GRCh37 (hg19) VCF-style: chr2-74691827-G-C.
Other names: c.57C>G, p.Gly19= (NM_001146158.2).
Identifiers: ClinVar variation 745352 (VCV000745352.17), dbSNP rs369972550, ClinGen allele CA1725046.